The following is an entry in ClinVar:

NM_002474.3(MYH11):c.3506+1G>A

Gene: MYH11 (myosin heavy chain 11; minus strand). Cytogenetic location: 16p13.11.
Variant type: single nucleotide variant.
Coding change: c.3506+1G>A on transcript NM_002474.3 (MANE Select); the canonical splice donor site of the intron after coding-DNA position 3506, G replaced by A.
Molecular consequence: splice donor variant.
Genome position (GRCh38, 1-based): chr16:15,735,365, C>T on the plus strand (G>A on the coding strand, the complement: MYH11 is on the minus strand). VCF-style: chr16-15735365-C-T. GRCh37 (hg19) VCF-style: chr16-15829222-C-T.
Other names: c.3506+1G>A (NM_022844.3); c.3527+1G>A (NM_001040114.2, NM_001040113.2).
Identifiers: ClinVar variation 1523757 (VCV001523757.8), dbSNP rs2151240720, ClinGen allele CA394861725.
Genomic context (GRCh38, chr16:15,735,365, plus strand): 5'-TCTGCCCCCATCCCATTGGTGCAGTGGGATAGCAGGATGGTGGGATTGATGGGCCCCTCA[C>T]CTGAGCTCCTGCTGAGTGGCTGTGCTGTCCAGTGTGTCTTCCAGCTCTGTCTTTAGGGCC-3'

ClinVar aggregate classification (germline): Likely pathogenic (1 of 4 stars; one submission).

Conditions:
Aortic aneurysm, familial thoracic 4 (AAT4). Also called: AORTIC ANEURYSM/AORTIC DISSECTION AND PATENT DUCTUS ARTERIOSUS. Identifiers: MedGen C1851504, MONDO:0007568, OMIM 132900.

Submission:

Labcorp Genetics (formerly Invitae), Labcorp
Classification: Likely pathogenic for Aortic aneurysm, familial thoracic 4. Last evaluated: 2021-02-28. Review status: criteria provided, single submitter. Criteria: Invitae Variant Classification Sherloc (09022015). Collection method: clinical testing. Allele origin: germline.
Comment: This variant is not present in population databases (ExAC no frequency). In summary, the currently available evidence indicates that the variant is pathogenic, but additional data are needed to prove that conclusively. Therefore, this variant has been classified as Likely Pathogenic. Algorithms developed to predict the effect of sequence changes on RNA splicing suggest that this variant may disrupt the consensus splice site, but this prediction has not been confirmed by published transcriptional studies. This variant has not been reported in the literature in individuals with MYH11-related conditions. This sequence change affects a donor splice site in intron 27 of the MYH11 gene. It is expected to disrupt RNA splicing. Variants that disrupt the donor or acceptor splice site typically lead to a loss of protein function (PMID: 16199547), and loss-of-function variants in MYH11 are known to be pathogenic (PMID: 25407000, 29575632).

Literature cited by the submitters: PubMed 16199547; PubMed 25407000; PubMed 29575632.